The following is an entry in ClinVar:

ClinVar aggregate classification (germline): Conflicting classifications of pathogenicity. Review status: criteria provided, conflicting classifications (1 of 4 stars). 2 submissions from 2 submitters: Uncertain significance (1); Likely benign (1). Last evaluated 2025-06-27.

Conditions:
Cardiovascular phenotype. Identifiers: MedGen CN230736.
Dilated cardiomyopathy 1DD (CMD1DD). Identifiers: Orphanet 154, MedGen C2750995, MONDO:0013168, OMIM 613172.

Allele frequency attached by ClinVar (database versions not stated): gnomAD 0.00001; gnomAD exomes 0.00001; TOPMed 0.00001.
gnomAD v4.1: 10 of 1,551,804 alleles (0.00064%); highest among the groups gnomAD compares: Non-Finnish European, 0.00087%; no homozygotes.

Submissions (2):

Labcorp Genetics (formerly Invitae), Labcorp
Classification: Likely benign for Dilated cardiomyopathy 1DD. Last evaluated: 2025-06-27. Review status: criteria provided, single submitter. Criteria: Invitae Variant Classification Sherloc (09022015). Collection method: clinical testing. Allele origin: germline.

Ambry Genetics
Classification: Uncertain significance for Cardiovascular phenotype. Last evaluated: 2023-10-25. Review status: criteria provided, single submitter. Criteria: Ambry Variant Classification Scheme 2023. Collection method: clinical testing. Allele origin: germline.
Comment: The p.Q575E variant (also known as c.1723C>G), located in coding exon 7 of the RBM20 gene, results from a C to G substitution at nucleotide position 1723. The glutamine at codon 575 is replaced by glutamic acid, an amino acid with highly similar properties. This amino acid position is conserved. In addition, this alteration is predicted to be tolerated by in silico analysis. Since supporting evidence is limited at this time, the clinical significance of this alteration remains unclear.

NM_001134363.3(RBM20):c.1723C>G (p.Gln575Glu)

Gene: RBM20 (RNA binding motif protein 20; plus strand). Cytogenetic location: 10q25.2.
Variant type: single nucleotide variant.
Coding change: c.1723C>G on transcript NM_001134363.3 (MANE Select); coding-DNA position 1723, C replaced by G.
Protein change: p.Gln575Glu; replaces glutamine 575 with glutamic acid.
Molecular consequence: missense variant.
Genome position (GRCh38, 1-based): chr10:110,799,841, C>G. VCF-style: chr10-110799841-C-G. GRCh37 (hg19) VCF-style: chr10-112559599-C-G.
Other names: short protein forms Q575E.
Identifiers: ClinVar variation 538036 (VCV000538036.10), dbSNP rs1030751538, ClinGen allele CA213247157.
Genomic context (GRCh38, chr10:110,799,841, plus strand): 5'-TCTTAGGCCTTTTTAGAGATGGCTTACACAGAAGCTGCACAGGCCATGGTCCAGTATTAT[C>G]AAGAAAAATCTGCTGTGATCAATGGTGAGAAGTTGCTCATTCGGATGTCCAAGAGATACA-3'
Protein context (NP_001127835.2, residues 565-585): EAAQAMVQYY[Gln575Glu]EKSAVINGEK